The following is an entry in ClinVar:

NM_001035.3(RYR2):c.1004A>G (p.Lys335Arg)

Gene: RYR2 (ryanodine receptor 2; plus strand). Cytogenetic location: 1q43.
Variant type: single nucleotide variant.
Coding change: c.1004A>G on transcript NM_001035.3 (MANE Select); coding-DNA position 1004, A replaced by G.
Protein change: p.Lys335Arg; replaces lysine 335 with arginine.
Molecular consequence: missense variant.
Genome position (GRCh38, 1-based): chr1:237,423,247, A>G. VCF-style: chr1-237423247-A-G. GRCh37 (hg19) VCF-style: chr1-237586547-A-G.
Other names: short protein forms K335R.
Identifiers: ClinVar variation 1777877 (VCV001777877.2), dbSNP rs1705774595, ClinGen allele CA345385642.

ClinVar aggregate classification (germline): Uncertain significance (1 of 4 stars; one submission).

Conditions:
Cardiovascular phenotype. Identifiers: MedGen CN230736.

Allele frequency attached by ClinVar (database versions not stated): TOPMed below 0.00001.

Submission:

Ambry Genetics
Classification: Uncertain significance for Cardiovascular phenotype. Last evaluated: 2021-05-26. Review status: criteria provided, single submitter. Criteria: Ambry Variant Classification Scheme 2023. Collection method: clinical testing. Allele origin: germline.
Comment: The p.K335R variant (also known as c.1004A>G), located in coding exon 12 of the RYR2 gene, results from an A to G substitution at nucleotide position 1004. The lysine at codon 335 is replaced by arginine, an amino acid with highly similar properties. This amino acid position is highly conserved in available vertebrate species. In addition, the in silico prediction for this alteration is inconclusive. Since supporting evidence is limited at this time, the clinical significance of this alteration remains unclear.